The following is an entry in ClinVar:

NM_001377540.1(SLMAP):c.1343A>G (p.Glu448Gly)

Gene: SLMAP (sarcolemma associated protein; plus strand). Cytogenetic location: 3p14.3.
Variant type: single nucleotide variant.
Coding change: c.1343A>G on transcript NM_001377540.1 (MANE Select); coding-DNA position 1343, A replaced by G.
Protein change: p.Glu448Gly; replaces glutamic acid 448 with glycine.
Molecular consequence: missense variant. On other transcripts: 5 prime UTR variant (7), non-coding transcript variant (1).
Genome position (GRCh38, 1-based): chr3:57,890,083, A>G. VCF-style: chr3-57890083-A-G. GRCh37 (hg19) VCF-style: chr3-57875810-A-G.
Other names: c.1292A>G, p.Glu431Gly (NM_001304420.3, NM_001377541.1, NM_001377542.1 and 2 more transcripts); c.1178A>G, p.Glu393Gly (NM_001304421.2, NM_001377557.1, NM_001377559.1 and 1 more transcripts); c.-107A>G (NM_001304422.3, NM_001304423.3, NM_001311178.2 and 4 more transcripts); c.1343A>G, p.Glu448Gly (NM_001377538.1, NM_001377539.1, NM_001377555.1); c.1280A>G, p.Glu427Gly (NM_001377545.1, NM_001377922.1); c.1241A>G, p.Glu414Gly (NM_001377549.1, NM_001377923.1, NM_007159.5); c.1229A>G, p.Glu410Gly (NM_001377551.1, NM_001377552.1, NM_001377924.1); short protein forms E448G, E393G, E410G, E427G, E414G, E431G.
Identifiers: ClinVar variation 842921 (VCV000842921.6), dbSNP rs755917730, ClinGen allele CA2467105.
Genomic context (GRCh38, chr3:57,890,083, plus strand): 5'-GTTTATTTTCCTTGGCAGAGAAGCTGATCGTCGAAGGGCATCTAACCAAAGCGGTAGAAG[A>G]AACAAAGCTTTCAAAAGGTTTGTTTTCTGTTTTTCTATGTTTTTTGACAGTTCTTTTGGA-3'
Protein context (NP_001364469.1, residues 438-458): VEGHLTKAVE[Glu448Gly]TKLSKENQTR

ClinVar aggregate classification (germline): Uncertain significance (1 of 4 stars; one submission).

Conditions:
Brugada syndrome. Also called: Sudden unexplained nocturnal death syndrome; Sudden Unexplained Death Syndrome; Sudden Unexplained Nocturnal Death Syndrome (SUNDS); Sudden unexpected nocturnal death syndrome. Identifiers: Orphanet 130, MedGen C1142166, MONDO:0015263.

Allele frequency attached by ClinVar (database versions not stated): gnomAD exomes below 0.00001; ExAC 0.00001; TOPMed 0.00004.
gnomAD v4.1: 2 of 1,613,928 alleles (0.00012%); highest among the groups gnomAD compares: African/African-American, 0.0027%; no homozygotes.

Submission:

Labcorp Genetics (formerly Invitae), Labcorp
Classification: Uncertain significance for Brugada syndrome. Last evaluated: 2019-01-27. Review status: criteria provided, single submitter. Criteria: Invitae Variant Classification Sherloc (09022015). Collection method: clinical testing. Allele origin: germline.
Comment: This sequence change replaces glutamic acid with glycine at codon 414 of the SLMAP protein (p.Glu414Gly). The glutamic acid residue is moderately conserved and there is a moderate physicochemical difference between glutamic acid and glycine. This variant is present in population databases (rs755917730, ExAC 0.01%). This variant has not been reported in the literature in individuals with SLMAP-related conditions. Algorithms developed to predict the effect of missense changes on protein structure and function (SIFT, PolyPhen-2, Align-GVGD) all suggest that this variant is likely to be tolerated, but these predictions have not been confirmed by published functional studies and their clinical significance is uncertain. In summary, the available evidence is currently insufficient to determine the role of this variant in disease. Therefore, it has been classified as a Variant of Uncertain Significance.